The following is an entry in ClinVar:

ClinVar aggregate classification (germline): Uncertain significance. Review status: criteria provided, multiple submitters, no conflicts (2 of 4 stars). 2 submissions from 2 submitters: Uncertain significance (2). Last evaluated 2023-10-27.

Conditions:
Neuronopathy, distal hereditary motor, type 2C. Also called: NEUROPATHY, DISTAL HEREDITARY MOTOR, AUTOSOMAL DOMINANT 4; NEURONOPATHY, DISTAL HEREDITARY MOTOR, HARDING TYPE IIC; NEUROPATHY, DISTAL HEREDITARY MOTOR, HARDING TYPE IIC; HMN IIC. Identifiers: Orphanet 139525, MedGen C3150619, MONDO:0013243, OMIM 613376.

Allele frequency attached by ClinVar (database versions not stated): ExAC 0.00002; gnomAD exomes 0.00002; TOPMed 0.00002; gnomAD 0.00003; ESP Exome Variant Server 0.00008.
gnomAD v4.1: 34 of 1,613,714 alleles (0.0021%); highest among the groups gnomAD compares: Non-Finnish European, 0.0026%; no homozygotes.

Submissions (2):

Women's Health and Genetics/Laboratory Corporation of America, LabCorp
Classification: Uncertain significance. Last evaluated: 2023-10-27. Review status: criteria provided, single submitter. Criteria: LabCorp Variant Classification Summary - May 2015. Collection method: clinical testing. Allele origin: germline.
Comment: Variant summary: HSPB3 c.437C>T (p.Pro146Leu) results in a non-conservative amino acid change located in the Alpha crystallin/Hsp20 domain of the encoded protein sequence. Three of five in-silico tools predict a benign effect of the variant on protein function. The variant allele was found at a frequency of 1.6e-05 in 250898 control chromosomes. The available data on variant occurrences in the general population are insufficient to allow any conclusion about variant significance. To our knowledge, no occurrence of c.437C>T in individuals affected with Neuronopathy, Distal Hereditary Motor, Type 2C and no experimental evidence demonstrating its impact on protein function have been reported. One submitter has cited clinical-significance assessments for this variant to ClinVar after 2014 and has classified the variant as uncertain significance. Based on the evidence outlined above, the variant was classified as uncertain significance.

Labcorp Genetics (formerly Invitae), Labcorp
Classification: Uncertain significance for Neuronopathy, distal hereditary motor, type 2C. Last evaluated: 2019-03-07. Review status: criteria provided, single submitter. Criteria: Invitae Variant Classification Sherloc (09022015). Collection method: clinical testing. Allele origin: germline.
Comment: This sequence change replaces proline with leucine at codon 146 of the HSPB3 protein (p.Pro146Leu). The proline residue is moderately conserved and there is a moderate physicochemical difference between proline and leucine. This variant is present in population databases (rs376650697, ExAC 0.003%). This variant has not been reported in the literature in individuals with HSPB3-related conditions. Algorithms developed to predict the effect of missense changes on protein structure and function are either unavailable or do not agree on the potential impact of this missense change (SIFT: "Deleterious"; PolyPhen-2: "Benign"; Align-GVGD: "Class C0"). In summary, the available evidence is currently insufficient to determine the role of this variant in disease. Therefore, it has been classified as a Variant of Uncertain Significance.

NM_006308.3(HSPB3):c.437C>T (p.Pro146Leu)

Gene: HSPB3 (heat shock protein family B (small) member 3; plus strand). Cytogenetic location: 5q11.2.
Variant type: single nucleotide variant.
Coding change: c.437C>T on transcript NM_006308.3 (MANE Select); coding-DNA position 437, C replaced by T.
Protein change: p.Pro146Leu; replaces proline 146 with leucine.
Molecular consequence: missense variant.
Genome position (GRCh38, 1-based): chr5:54,456,226, C>T. VCF-style: chr5-54456226-C-T. GRCh37 (hg19) VCF-style: chr5-53752056-C-T.
Other names: short protein forms P146L.
Identifiers: ClinVar variation 862897 (VCV000862897.11), dbSNP rs376650697, ClinGen allele CA3264686.